The following is an entry in ClinVar:

ClinVar aggregate classification (germline): Uncertain significance (1 of 4 stars; one submission).

gnomAD v4.1: 14 of 1,612,994 alleles (0.00087%); highest among the groups gnomAD compares: Admixed American, 0.0017%; no homozygotes.

Submission:

Ambry Genetics
Classification: Uncertain significance. Last evaluated: 2025-03-29. Review status: criteria provided, single submitter. Criteria: Ambry Variant Classification Scheme 2023. Collection method: clinical testing. Allele origin: germline.
Comment: The p.R1557W variant (also known as c.4669C>T), located in coding exon 19 of the WNK2 gene, results from a C to T substitution at nucleotide position 4669. The arginine at codon 1557 is replaced by tryptophan, an amino acid with dissimilar properties. This amino acid position is conserved. In addition, the in silico prediction for this alteration is inconclusive. Based on the available evidence, the clinical significance of this variant remains unclear.

NM_006648.4(WNK2):c.4669C>T (p.Arg1557Trp)

Gene: WNK2 (WNK lysine deficient protein kinase 2; plus strand). Cytogenetic location: 9q22.31.
Variant type: single nucleotide variant.
Coding change: c.4669C>T on transcript NM_006648.4 (MANE Select); coding-DNA position 4669, C replaced by T.
Protein change: p.Arg1557Trp; replaces arginine 1557 with tryptophan.
Molecular consequence: missense variant.
Genome position (GRCh38, 1-based): chr9:93,289,423, C>T. VCF-style: chr9-93289423-C-T. GRCh37 (hg19) VCF-style: chr9-96051705-C-T.
Other names: c.4780C>T, p.Arg1594Trp (NM_001282394.3); short protein forms R1557W, R1594W.
Identifiers: ClinVar variation 3981756 (VCV003981756.1).
Genomic context (GRCh38, chr9:93,289,423, plus strand): 5'-GGGCCGCCCCCCAGGGTGGGCTTTGTGGACAGCACCATCAAGAGCCTGGACGAGAAGCTG[C>T]GGACTCTGCTCTACCAGGAGCACGTGCCCACCTCCTCAGCCTCAGCTGGGACCCCTGTGG-3'
Protein context (NP_006639.3, residues 1547-1567): STIKSLDEKL[Arg1557Trp]TLLYQEHVPT